The following is an entry in ClinVar:

ClinVar aggregate classification (germline): Uncertain significance (1 of 4 stars; one submission).

Submission:

Labcorp Genetics (formerly Invitae), Labcorp
Classification: Uncertain significance. Last evaluated: 2021-05-07. Review status: criteria provided, single submitter. Criteria: Invitae Variant Classification Sherloc (09022015). Collection method: clinical testing. Allele origin: germline.
Comment: In summary, the available evidence is currently insufficient to determine the role of this variant in disease. Therefore, it has been classified as a Variant of Uncertain Significance. Nucleotide substitutions within the consensus splice site are a relatively common cause of aberrant splicing (PMID: 17576681, 9536098). Algorithms developed to predict the effect of sequence changes on RNA splicing suggest that this variant may disrupt the consensus splice site, but this prediction has not been confirmed by published transcriptional studies. This variant has not been reported in the literature in individuals with RETREG1-related conditions. This variant is not present in population databases (ExAC no frequency). This sequence change falls in intron 8 of the RETREG1 gene. It does not directly change the encoded amino acid sequence of the RETREG1 protein. It affects a nucleotide within the consensus splice site of the intron.

Literature cited by the submitters: PubMed 17576681; PubMed 9536098.

NM_001034850.3(RETREG1):c.1000+5G>C

Gene: RETREG1 (reticulophagy regulator 1; minus strand). Cytogenetic location: 5p15.1.
Variant type: single nucleotide variant.
Coding change: c.1000+5G>C on transcript NM_001034850.3 (MANE Select); 5 bases into the intron after coding-DNA position 1000, G replaced by C.
Molecular consequence: intron variant.
Genome position (GRCh38, 1-based): chr5:16,477,657, C>G on the plus strand (G>C on the coding strand, the complement: RETREG1 is on the minus strand). VCF-style: chr5-16477657-C-G. GRCh37 (hg19) VCF-style: chr5-16477766-C-G.
Other names: c.577+5G>C (NM_019000.5).
Identifiers: ClinVar variation 1393719 (VCV001393719.6), dbSNP rs2126510439, ClinGen allele CA2573138553.